The following is an entry in ClinVar:

ClinVar aggregate classification (germline): Uncertain significance (1 of 4 stars; one submission).

Submission:

Labcorp Genetics (formerly Invitae), Labcorp
Classification: Uncertain significance. Last evaluated: 2023-07-27. Review status: criteria provided, single submitter. Criteria: Invitae Variant Classification Sherloc (09022015). Collection method: clinical testing. Allele origin: germline.
Comment: This variant is not present in population databases (gnomAD no frequency). This sequence change falls in intron 11 of the ALPK1 gene. It does not directly change the encoded amino acid sequence of the ALPK1 protein. It affects a nucleotide within the consensus splice site. This variant has not been reported in the literature in individuals affected with ALPK1-related conditions. In summary, the available evidence is currently insufficient to determine the role of this variant in disease. Therefore, it has been classified as a Variant of Uncertain Significance. Variants that disrupt the consensus splice site are a relatively common cause of aberrant splicing (PMID: 17576681, 9536098). Algorithms developed to predict the effect of sequence changes on RNA splicing suggest that this variant may disrupt the consensus splice site.

Literature cited by the submitters: PubMed 17576681; PubMed 9536098.

NM_025144.4(ALPK1):c.3034+3A>T

Gene: ALPK1 (alpha kinase 1; plus strand). Cytogenetic location: 4q25.
Variant type: single nucleotide variant.
Coding change: c.3034+3A>T on transcript NM_025144.4 (MANE Select); 3 bases into the intron after coding-DNA position 3034, A replaced by T.
Molecular consequence: intron variant.
Genome position (GRCh38, 1-based): chr4:112,432,584, A>T. VCF-style: chr4-112432584-A-T. GRCh37 (hg19) VCF-style: chr4-113353740-A-T.
Other names: c.3034+3A>T (NM_001102406.2); c.2800+3A>T (NM_001253884.2).
Identifiers: ClinVar variation 2747431 (VCV002747431.3), dbSNP rs2476508019, ClinGen allele CA2697546879.